The following is an entry in ClinVar:

ClinVar aggregate classification (germline): Pathogenic (1 of 4 stars; one submission).

Conditions:
Familial hemophagocytic lymphohistiocytosis (FHL). Also called: Familial erythrophagocytic lymphohistiocytosis; Familial histiocytic reticulosis; Hereditary hemophagocytic lymphohistiocytosis. Identifiers: Orphanet 158038, Orphanet 540, MedGen C0272199, MONDO:0015541.

Submission:

Women's Health and Genetics/Laboratory Corporation of America, LabCorp
Classification: Pathogenic for Familial hemophagocytic lymphohistiocytosis. Last evaluated: 2024-02-19. Review status: criteria provided, single submitter. Criteria: LabCorp Variant Classification Summary - May 2015. Collection method: clinical testing. Allele origin: germline.
Comment: Variant summary: STXBP2 c.224_227delATTT (p.Tyr75CysfsX2) results in a premature termination codon, predicted to cause a truncation of the encoded protein or absence of the protein due to nonsense mediated decay, which are commonly known mechanisms for disease. The variant allele was found at a frequency of 4e-06 in 251242 control chromosomes (gnomAD). c.224_227delATTT has been reported in the literature in at-least one individual affected with Familial Hemophagocytic Lymphohistiocytosis (example: Meeths_2010). No submitters have cited clinical-significance assessments for this variant to ClinVar. The following publication has been ascertained in the context of this evaluation (PMID: 20558610). Based on the evidence outlined above, the variant was classified as pathogenic.

Literature cited by the submitters: PubMed 20558610.

NM_006949.4(STXBP2):c.224_227del (p.Tyr75fs)

Gene: STXBP2 (syntaxin binding protein 2; plus strand). Cytogenetic location: 19p13.2.
Variant type: Microsatellite.
Coding change: c.224_227del on transcript NM_006949.4 (MANE Select); coding-DNA positions 224 to 227, 4 bases deleted (ATTT; older notation c.224_227delATTT).
Protein change: p.Tyr75fs; shifts the reading frame from tyrosine 75.
Molecular consequence: frameshift variant. On other transcripts: non-coding transcript variant (1).
Genome position (GRCh38, 1-based): chr19:7,639,785-7,639,788, ATTT deleted; deleting any 4 consecutive bases within chr19:7,639,781-7,639,788 gives the same sequence; the c. name uses the placement nearest the transcript's 3' end. VCF-style (leftmost placement, unchanged base first): chr19-7639780-CATTT-C. GRCh37 (hg19) VCF-style: chr19-7704666-CATTT-C.
Other names: c.224_227del, p.Tyr75fs (NM_001127396.3, NM_001272034.2); c.128_131del, p.Tyr43fs (NM_001414484.1); c.224_227delATTT (NM_006949.4); short protein forms Y43fs, Y75fs.
Identifiers: ClinVar variation 3069062 (VCV003069062.2), dbSNP rs1467430023, ClinGen allele CA631326341.
Genomic context (GRCh38, chr19:7,639,780, plus strand): 5'-GTTCCTACTAGTTGTTGAAGACATCAACAAACGGCGGGAACCCATTCCCAGTCTGGAGGC[CATTT>C]ATTTGCTGAGCCCCACGGAGAAGGTGCCTACATGAGTGAGCGTGTGTGTATGCGCGTGCA-3'